The following is an entry in ClinVar:

ClinVar aggregate classification (germline): Pathogenic (1 of 4 stars; one submission).

Submission:

Quest Diagnostics Nichols Institute San Juan Capistrano
Classification: Pathogenic. Last evaluated: 2021-10-22. Review status: criteria provided, single submitter. Criteria: ACMG/ClinGen CNV Guidelines, 2019. Collection method: clinical testing. Allele origin: unknown.
Comment: The copy number loss of 8p21.2p11.22 involves numerous protein coding genes and is expected to cause phenotypic and/or developmental abnormalities. Interstitial deletions at 8p21p21 have been reported in patients with intellectual disability, postnatal microcephaly, growth retardation, cardiac and ocular anomalies, hypogonadism, spherocytosis, and dysmorphic facial features including upslanting palpebral fissures, hypertelorism, epicanthal folds, ear anomalies, short nose, small mouth, thin lips, and micrognathia (Arghir 2020; Li 2016; Yu 2010; Willemen 2009). NRG1 and CHRNA2 (OMIM 118502) are suggested as candidate genes for the psychiatric and neurodevelopmental phenotypes. This large deletion also includes multiple genes that are associated with OMIM phenotypes, such as FGFR1 (OMIMs 613001, 615465, 123150, 166250, 101600 and 190440). Particularly, haploinsufficiency of FGFR1 is associated with autosomal dominant hypogonadotropic hypogonadism 2 with or without anosmia (OMIM 147950). Reference Arghir et al., Clin Case Rep. 2020 Nov 12;9(1):314-321. PMID: 33505690. Li et al., Sci Rep. 2016 Nov 3;6:36133. PMID: 27808268. Yu et al., Eur J Hum Genet. 2010 Oct;18(10):1114-20. PMID: 20461109. Willemsen et al., Eur J Med Genet. Mar-Jun 2009;52(2-3):134-9. PMID: 19303465.

GRCh37/hg19 8p21.2-11.22(chr8:26808969-38346383)x1

Genes: ADGRA2 (adhesion G protein-coupled receptor A2; plus strand), ADRB3 (adrenoceptor beta 3; minus strand), ASH2L (ASH2 like, histone lysine methyltransferase complex subunit; plus strand), BAG4 (BAG cochaperone 4; plus strand), BRF2 (BRF2 general transcription factor IIIB subunit; minus strand) and 56 more. Cytogenetic location: 8p21.2-11.22.
Variant type: copy number loss.
Change: copy number 1 (one copy instead of two) of chr8:26,808,969-38,346,383 (11.54 Mb, GRCh37 coordinates, 1-based), cytogenetic band 8p21.2-11.22.
Identifiers: ClinVar variation 1807790 (VCV001807790.1).